The following is an entry in ClinVar:

ClinVar aggregate classification (germline): Pathogenic (1 of 4 stars; one submission).

Submission:

Labcorp Genetics (formerly Invitae), Labcorp
Classification: Pathogenic. Last evaluated: 2022-07-27. Review status: criteria provided, single submitter. Criteria: Invitae Variant Classification Sherloc (09022015). Collection method: clinical testing. Allele origin: germline.
Comment: This sequence change creates a premature translational stop signal (p.Ala1747Glyfs*5) in the CHD8 gene. It is expected to result in an absent or disrupted protein product. Loss-of-function variants in CHD8 are known to be pathogenic (PMID: 24998929, 26789910). This variant is not present in population databases (gnomAD no frequency). This variant has not been reported in the literature in individuals affected with CHD8-related conditions. Algorithms developed to predict the effect of sequence changes on RNA splicing suggest that this variant may create or strengthen a splice site. For these reasons, this variant has been classified as Pathogenic.

Literature cited by the submitters: PubMed 24998929; PubMed 26789910.

NM_001170629.2(CHD8):c.5240_5243del (p.Ala1747fs)

Gene: CHD8 (chromodomain helicase DNA binding protein 8; minus strand). Cytogenetic location: 14q11.2.
Variant type: Deletion.
Coding change: c.5240_5243del on transcript NM_001170629.2 (MANE Select); coding-DNA positions 5240 to 5243, 4 bases deleted (CTAG; older notation c.5240_5243delCTAG).
Protein change: p.Ala1747fs; shifts the reading frame from alanine 1747.
Molecular consequence: frameshift variant.
Genome position (GRCh38, 1-based): chr14:21,395,059-21,395,062, CTAG deleted on the plus strand (CTAG on the coding strand, the reverse complement: CHD8 is on the minus strand); deleting any 4 consecutive bases within chr14:21,395,059-21,395,064 gives the same sequence; the c. name uses the placement nearest the transcript's 3' end. VCF-style (leftmost placement, unchanged base first): chr14-21395058-CCTAG-C. GRCh37 (hg19) VCF-style: chr14-21863217-CCTAG-C.
Other names: c.4403_4406del, p.Ala1468fs (NM_020920.4); short protein forms A1747fs, A1468fs.
Identifiers: ClinVar variation 1978411 (VCV001978411.4), dbSNP rs2501863310, ClinGen allele CA2580087817.